The following is an entry in ClinVar:

ClinVar aggregate classification (germline): Likely pathogenic (1 of 4 stars; one submission).

Conditions:
Autosomal recessive nonsyndromic hearing loss 23. Identifiers: Orphanet 90636, MedGen C1836027, MONDO:0012293, OMIM 609533.

Submission:

Institute of Rare Diseases, West China Hospital, Sichuan University
Classification: Likely pathogenic for Autosomal recessive nonsyndromic hearing loss 23. Last evaluated: 2025-01-09. Review status: criteria provided, single submitter. Criteria: ClinGen HL ACMG Specifications v1. Collection method: research. Allele origin: germline. Affected: yes.
Comment: PVS1;PM2_Supporting

NM_001384140.1(PCDH15):c.1869_1870del (p.Glu624fs)

Gene: PCDH15 (protocadherin related 15; minus strand). Cytogenetic location: 10q21.1.
Variant type: Deletion.
Coding change: c.1869_1870del on transcript NM_001384140.1 (MANE Select); coding-DNA positions 1869 to 1870, 2 bases deleted (TG; older notation c.1869_1870delTG).
Protein change: p.Glu624fs; shifts the reading frame from glutamic acid 624.
Molecular consequence: frameshift variant. On other transcripts: intron variant (1).
Genome position (GRCh38, 1-based): chr10:54,132,922-54,132,923, CA deleted on the plus strand (TG on the coding strand, the reverse complement: PCDH15 is on the minus strand). VCF-style (leftmost placement, unchanged base first): chr10-54132921-TCA-T. GRCh37 (hg19) VCF-style: chr10-55892681-TCA-T.
Other names: c.1884_1885del, p.Glu629fs (NM_001142763.2, NM_001142771.2); c.1869_1870del, p.Glu624fs (NM_001142764.2, NM_001142766.2, NM_001142770.3 and 5 more transcripts); c.1758_1759del, p.Glu587fs (NM_001142767.2); c.1803_1804del, p.Glu602fs (NM_001142768.2, NM_001142773.2, NM_001354404.2); c.1905_1906delTG, p.Glu636Asnfs (NM_001142769.4); c.1890_1891del, p.Glu631fs (NM_001354411.2); c.1784+20177_1784+20178del (NM_001142765.2); short protein forms E587fs, E602fs, E624fs, E629fs, E631fs, E636fs.
Identifiers: ClinVar variation 3601611 (VCV003601611.1).
Genomic context (GRCh38, chr10:54,132,921, plus strand): 5'-ACCAAGGAACATACCTGTAGATTTAATAAAACAGCACCAACCCTCATGGCTTCACTAATT[TCA>T]AGGCTATACATCAGCTGTGGGAAGCGAGGAGGGCTTTGATTATTTGGTGGAAGCACTTCA-3'